The following is an entry in ClinVar:

ClinVar aggregate classification (germline): Uncertain significance. Review status: criteria provided, multiple submitters, no conflicts (2 of 4 stars). 3 submissions from 3 submitters: Uncertain significance (3). Last evaluated 2025-12-29.

Allele frequency attached by ClinVar (database versions not stated): ExAC 0.00001.

Submissions (3):

Center for Genomic Medicine, Rigshospitalet, Copenhagen University Hospital
Classification: Uncertain significance. Last evaluated: 2025-12-29. Review status: criteria provided, single submitter. Criteria: ACMG Guidelines, 2015. Collection method: clinical testing. Allele origin: germline.

Ambry Genetics
Classification: Uncertain significance. Last evaluated: 2024-12-08. Review status: criteria provided, single submitter. Criteria: Ambry Variant Classification Scheme 2023. Collection method: clinical testing. Allele origin: germline.
Comment: The p.R132Q variant (also known as c.395G>A), located in coding exon 3 of the RNF43 gene, results from a G to A substitution at nucleotide position 395. The arginine at codon 132 is replaced by glutamine, an amino acid with highly similar properties. This amino acid position is conserved. In addition, this alteration is predicted to be tolerated by in silico analysis. Based on the available evidence, the clinical significance of this variant remains unclear.

Labcorp Genetics (formerly Invitae), Labcorp
Classification: Uncertain significance. Last evaluated: 2022-02-11. Review status: criteria provided, single submitter. Criteria: Invitae Variant Classification Sherloc (09022015). Collection method: clinical testing. Allele origin: germline.
Comment: This variant has not been reported in the literature in individuals affected with RNF43-related conditions. In summary, the available evidence is currently insufficient to determine the role of this variant in disease. Therefore, it has been classified as a Variant of Uncertain Significance. Algorithms developed to predict the effect of missense changes on protein structure and function are either unavailable or do not agree on the potential impact of this missense change (SIFT: "Deleterious"; PolyPhen-2: "Probably Damaging"; Align-GVGD: "Class C0"). ClinVar contains an entry for this variant (Variation ID: 962073). This variant is present in population databases (rs758854182, gnomAD 0.002%). This sequence change replaces arginine, which is basic and polar, with glutamine, which is neutral and polar, at codon 132 of the RNF43 protein (p.Arg132Gln).

NM_017763.6(RNF43):c.395G>A (p.Arg132Gln)

Gene: RNF43 (ring finger protein 43; minus strand). Cytogenetic location: 17q22.
Variant type: single nucleotide variant.
Coding change: c.395G>A on transcript NM_017763.6 (MANE Select); coding-DNA position 395, G replaced by A.
Protein change: p.Arg132Gln; replaces arginine 132 with glutamine.
Molecular consequence: missense variant.
Genome position (GRCh38, 1-based): chr17:58,363,581, C>T on the plus strand (G>A on the coding strand, the complement: RNF43 is on the minus strand). VCF-style: chr17-58363581-C-T. GRCh37 (hg19) VCF-style: chr17-56440942-C-T.
Other names: c.395G>A (NM_017763.4); c.395G>A, p.Arg132Gln (NM_001305544.3); c.14G>A, p.Arg5Gln (NM_001305545.2); short protein forms R132Q, R5Q.
Identifiers: ClinVar variation 962073 (VCV000962073.13), dbSNP rs758854182, ClinGen allele CA8673436.